The following is an entry in ClinVar:

ClinVar aggregate classification (germline): Conflicting classifications of pathogenicity. Review status: criteria provided, conflicting classifications (1 of 4 stars). 4 submissions from 4 submitters: Uncertain significance (1); Likely benign (3). Last evaluated 2026-02-01.

Conditions:
WNK1-related disorder. Also called: WNK1-related condition.
Pseudohypoaldosteronism type 2C (PHA2C). Also called: Pseudohypoaldosteronism Type IIC. Identifiers: Orphanet 757, Orphanet 88940, MedGen C1840391, MONDO:0013778, OMIM 614492.
Neuropathy, hereditary sensory and autonomic, type 2A (HSAN2A). Also called: HSAN IIA; WNK1-Related HSAN2 (HSAN2A); MORVAN DISEASE; NEUROPATHY, CONGENITAL SENSORY; NEUROPATHY, HEREDITARY SENSORY RADICULAR, AUTOSOMAL RECESSIVE; NEUROPATHY, HEREDITARY SENSORY, TYPE IIA. Identifiers: Orphanet 970, MedGen C2752089, MONDO:0024309, OMIM 201300.

Allele frequency attached by ClinVar (database versions not stated): gnomAD exomes 0.00006; ExAC 0.00008; gnomAD 0.00021 and 0.00023; TOPMed 0.00029; ESP Exome Variant Server 0.00038; 1000 Genomes Project 0.00040; 1000 Genomes Project 30x 0.00062.
gnomAD v4.1: 68 of 1,614,154 alleles (0.0042%); highest among the groups gnomAD compares: African/African-American, 0.085%; no homozygotes.

Submissions (4):

Labcorp Genetics (formerly Invitae), Labcorp
Classification: Likely benign for Neuropathy, hereditary sensory and autonomic, type 2A; Pseudohypoaldosteronism type 2C. Last evaluated: 2026-02-01. Review status: criteria provided, single submitter. Criteria: Invitae Variant Classification Sherloc (09022015). Collection method: clinical testing. Allele origin: germline.

PreventionGenetics, part of Exact Sciences
Classification: Likely benign for WNK1-related condition. Last evaluated: 2025-05-29. Review status: criteria provided, single submitter. Criteria: ACMG Guidelines, 2015. Collection method: clinical testing. Allele origin: germline.
Comment: This variant is classified as likely benign based on ACMG/AMP sequence variant interpretation guidelines (Richards et al. 2015 PMID: 25741868, with internal and published modifications).

Women's Health and Genetics/Laboratory Corporation of America, LabCorp
Classification: Likely benign. Last evaluated: 2025-04-22. Review status: criteria provided, single submitter. Criteria: LabCorp Variant Classification Summary - May 2015. Collection method: clinical testing. Allele origin: germline.

Fulgent Genetics
Classification: Uncertain significance for Neuropathy, hereditary sensory and autonomic, type 2A; Pseudohypoaldosteronism type 2C. Last evaluated: 2024-03-12. Review status: criteria provided, single submitter. Criteria: ACMG Guidelines, 2015. Collection method: clinical testing. Allele origin: germline.

NM_018979.4(WNK1):c.4104A>G (p.Thr1368=)

Gene: WNK1 (WNK lysine deficient protein kinase 1; plus strand). Cytogenetic location: 12p13.33.
Variant type: single nucleotide variant.
Coding change: c.4104A>G on transcript NM_018979.4 (MANE Select); coding-DNA position 4104, A replaced by G.
Protein change: p.Thr1368=; no amino-acid change (threonine 1368 retained).
Molecular consequence: synonymous variant.
Genome position (GRCh38, 1-based): chr12:884,908, A>G. VCF-style: chr12-884908-A-G. GRCh37 (hg19) VCF-style: chr12-994074-A-G.
Other names: c.4884A>G, p.Thr1628= (NM_001184985.2); c.3363A>G, p.Thr1121= (NM_014823.3); c.4860A>G, p.Thr1620= (NM_213655.5).
Identifiers: ClinVar variation 703930 (VCV000703930.15), dbSNP rs142787842, ClinGen allele CA6382918.